The following is an entry in ClinVar:

ClinVar aggregate classification (germline): Uncertain significance. Review status: criteria provided, multiple submitters, no conflicts (2 of 4 stars). 2 submissions from 2 submitters: Uncertain significance (2). Last evaluated 2025-07-28.

Conditions:
Inborn genetic diseases. Identifiers: MedGen C0950123, MeSH D030342.

Allele frequency attached by ClinVar (database versions not stated): gnomAD exomes 0.00001; gnomAD 0.00002; ExAC 0.00003; 1000 Genomes Project 30x 0.00016; 1000 Genomes Project 0.00020.
gnomAD v4.1: 17 of 1,612,430 alleles (0.0011%); highest among the groups gnomAD compares: Admixed American, 0.013%; no homozygotes.

Submissions (2):

Labcorp Genetics (formerly Invitae), Labcorp
Classification: Uncertain significance. Last evaluated: 2025-07-28. Review status: criteria provided, single submitter. Criteria: Invitae Variant Classification Sherloc (09022015). Collection method: clinical testing. Allele origin: germline.
Comment: This sequence change replaces arginine, which is basic and polar, with cysteine, which is neutral and slightly polar, at codon 91 of the TRMT10A protein (p.Arg91Cys). This variant is present in population databases (rs562796852, gnomAD 0.02%). This variant has not been reported in the literature in individuals affected with TRMT10A-related conditions. ClinVar contains an entry for this variant (Variation ID: 1951100). Invitae Evidence Modeling of protein sequence and biophysical properties (such as structural, functional, and spatial information, amino acid conservation, physicochemical variation, residue mobility, and thermodynamic stability) has been performed for this missense variant. However, the output from this modeling did not meet the statistical confidence thresholds required to predict the impact of this variant on TRMT10A protein function. In summary, the available evidence is currently insufficient to determine the role of this variant in disease. Therefore, it has been classified as a Variant of Uncertain Significance.

Ambry Genetics
Classification: Uncertain significance for Inborn genetic diseases. Last evaluated: 2024-02-21. Review status: criteria provided, single submitter. Criteria: Ambry Variant Classification Scheme 2023. Collection method: clinical testing. Allele origin: germline.

NM_001134665.3(TRMT10A):c.271C>T (p.Arg91Cys)

Gene: TRMT10A (tRNA methyltransferase 10A; minus strand). Cytogenetic location: 4q23.
Variant type: single nucleotide variant.
Coding change: c.271C>T on transcript NM_001134665.3 (MANE Select); coding-DNA position 271, C replaced by T.
Protein change: p.Arg91Cys; replaces arginine 91 with cysteine.
Molecular consequence: missense variant.
Genome position (GRCh38, 1-based): chr4:99,558,126, G>A on the plus strand (C>T on the coding strand, the complement: TRMT10A is on the minus strand). VCF-style: chr4-99558126-G-A. GRCh37 (hg19) VCF-style: chr4-100479283-G-A.
Other names: c.271C>T, p.Arg91Cys (NM_001134666.3, NM_001375880.1, NM_001375881.1 and 2 more transcripts); c.271C>T (NM_152292.4); short protein forms R91C.
Identifiers: ClinVar variation 1951100 (VCV001951100.5), dbSNP rs562796852, ClinGen allele CA3021589.